The following is an entry in ClinVar:

ClinVar aggregate classification (germline): not provided (0 of 4 stars; one submission).

gnomAD v4.1: 1 of 1,614,166 alleles (0.000062%); highest among the groups gnomAD compares: East Asian, 0.0022%; no homozygotes.

Submission:

Human Evolutionary Genetics, Institut Pasteur
No classification provided. Review status: no classification provided. Collection method: not provided. Allele origin: germline.
ClinVar note: Converted during submission from untested to not provided.

NM_017852.5(NLRP2):c.239A>C (p.His80Pro)

Gene: NLRP2 (NLR family pyrin domain containing 2; plus strand). Cytogenetic location: 19q13.42.
Variant type: single nucleotide variant.
Coding change: c.239A>C on transcript NM_017852.5 (MANE Select); coding-DNA position 239, A replaced by C.
Protein change: p.His80Pro; replaces histidine 80 with proline.
Molecular consequence: missense variant. On other transcripts: non-coding transcript variant (1).
Genome position (GRCh38, 1-based): chr19:54,970,254, A>C. VCF-style: chr19-54970254-A-C. GRCh37 (hg19) VCF-style: chr19-55481622-A-C.
Other names: c.239A>C, p.His80Pro (NM_001174081.3, NM_001174082.3, NM_001348003.2); c.170A>C, p.His57Pro (NM_001174083.2); short protein forms H80P, H57P.
Identifiers: ClinVar variation 103058 (VCV000103058.2), dbSNP rs199475706, ClinGen allele CA230044.